The following is an entry in ClinVar:

NM_030780.5(SLC25A32):c.284C>T (p.Ser95Phe)

Gene: SLC25A32 (solute carrier family 25 member 32; minus strand). Cytogenetic location: 8q22.3.
Variant type: single nucleotide variant.
Coding change: c.284C>T on transcript NM_030780.5 (MANE Select); coding-DNA position 284, C replaced by T.
Protein change: p.Ser95Phe; replaces serine 95 with phenylalanine.
Molecular consequence: missense variant. On other transcripts: non-coding transcript variant (2).
Genome position (GRCh38, 1-based): chr8:103,407,655, G>A on the plus strand (C>T on the coding strand, the complement: SLC25A32 is on the minus strand). VCF-style: chr8-103407655-G-A. GRCh37 (hg19) VCF-style: chr8-104419883-G-A.
Other names: short protein forms S95F.
Identifiers: ClinVar variation 4769538 (VCV004769538.1).

ClinVar aggregate classification (germline): Uncertain significance (1 of 4 stars; one submission).

Submission:

Labcorp Genetics (formerly Invitae), Labcorp
Classification: Uncertain significance. Last evaluated: 2025-03-05. Review status: criteria provided, single submitter. Criteria: Invitae Variant Classification Sherloc (09022015). Collection method: clinical testing. Allele origin: germline.
Comment: This sequence change replaces serine, which is neutral and polar, with phenylalanine, which is neutral and non-polar, at codon 95 of the SLC25A32 protein (p.Ser95Phe). This variant is not present in population databases (gnomAD no frequency). This variant has not been reported in the literature in individuals affected with SLC25A32-related conditions. Invitae Evidence Modeling of protein sequence and biophysical properties (such as structural, functional, and spatial information, amino acid conservation, physicochemical variation, residue mobility, and thermodynamic stability) has been performed for this missense variant. However, the output from this modeling did not meet the statistical confidence thresholds required to predict the impact of this variant on SLC25A32 protein function. In summary, the available evidence is currently insufficient to determine the role of this variant in disease. Therefore, it has been classified as a Variant of Uncertain Significance.